The following is an entry in ClinVar:

NM_002541.4(OGDH):c.1669-9A>G

Gene: OGDH (oxoglutarate dehydrogenase; plus strand). Cytogenetic location: 7p13.
Variant type: single nucleotide variant.
Coding change: c.1669-9A>G on transcript NM_002541.4 (MANE Select); 9 bases into the intron before coding-DNA position 1669, A replaced by G.
Molecular consequence: intron variant.
Genome position (GRCh38, 1-based): chr7:44,696,016, A>G. VCF-style: chr7-44696016-A-G. GRCh37 (hg19) VCF-style: chr7-44735615-A-G.
Other names: c.1702-9A>G (NM_001363523.2); c.1657-9A>G (NM_001165036.2).
Identifiers: ClinVar variation 3340144 (VCV003340144.2).

ClinVar aggregate classification (germline): Likely pathogenic (1 of 4 stars; one submission).

Conditions:
Oxoglutaricaciduria. Identifiers: Orphanet 31, MedGen C2752074, MONDO:0008759, OMIM 203740.

Submission:

Unidad de Genómica Garrahan, Hospital de Pediatría Garrahan
Classification: Likely pathogenic for Oxoglutaricaciduria. Last evaluated: 2024-09-12. Review status: criteria provided, single submitter. Criteria: ACMG Guidelines, 2015. Collection method: clinical testing. Allele origin: paternal. Inheritance: Autosomal recessive inheritance. Affected: yes.
Comment: A heterozygous intronic variant, NM_002541.4: c.1669-9A>G, was identified in the OGDH gene. This variant is located nine bases upstream of the start of exon 13, within a splice acceptor motif. It has an extremely low frequency in population databases (<0.001) and has not been reported in any pathology-related databases. Additionally, bioinformatic prediction tools suggest that this variant is likely deleterious (SpliceAI score: 0.96; Ada score: 1). This variant is found in compound heterozygosity with another likely pathogenic variant: NM_002541.4: c.1456G>A p.(Val486Met).

Literature cited by the submitters: PubMed 36520152; PubMed 32383294.